The following is an entry in ClinVar:

ClinVar aggregate classification (germline): Likely benign (1 of 4 stars; one submission).

Conditions:
Diamond-Blackfan anemia 5 (DBA5). Also called: RPL35A-Related Diamond-Blackfan Anemia. Identifiers: Orphanet 124, MedGen C2675859, MONDO:0012925, OMIM 612528.

gnomAD v4.1: 53 of 1,585,356 alleles (0.0033%); highest among the groups gnomAD compares: Non-Finnish European, 0.0043%; no homozygotes.

Submission:

Illumina Laboratory Services, Illumina
Classification: Likely benign for Diamond-Blackfan anemia 5. Last evaluated: 2018-01-13. Review status: criteria provided, single submitter. Criteria: ICSL Variant Classification Criteria 13 December 2019. Collection method: clinical testing. Allele origin: germline.
Comment: This variant was observed in the ICSL laboratory as part of a predisposition screen in an ostensibly healthy population. It had not been previously curated by ICSL or reported in the Human Gene Mutation Database (HGMD: prior to June 1st, 2018), and was therefore a candidate for classification through an automated scoring system. Utilizing variant allele frequency, disease prevalence and penetrance estimates, and inheritance mode, an automated score was calculated to assess if this variant is too frequent to cause the disease. Based on the score and internal cut-off values, a variant classified as likely benign is not then subjected to further curation. The score for this variant resulted in a classification of likely benign for this disease.

NM_000996.4(RPL35A):c.*21T>A

Genes: DRC9 (dynein regulatory complex subunit 9; minus strand), RPL35A (ribosomal protein L35a; plus strand). Cytogenetic location: 3q29.
Variant type: single nucleotide variant.
Coding change: c.*21T>A on transcript NM_000996.4 (MANE Select); 21 bases downstream of the stop codon, T replaced by A.
Molecular consequence: 3 prime UTR variant. On other transcripts: intron variant (3).
Genome position (GRCh38, 1-based): chr3:197,955,794, T>A. VCF-style: chr3-197955794-T-A. GRCh37 (hg19) VCF-style: chr3-197682665-T-A.
Other names: c.*21T>A (NM_001316311.2); c.-50+3735A>T (NM_001323028.2); c.-60+3735A>T (NM_032263.5); c.-375+3735A>T (NM_001323029.2).
Identifiers: ClinVar variation 901558 (VCV000901558.4), dbSNP rs199693579, ClinGen allele CA2789258.
Genomic context (GRCh38, chr3:197,955,794, plus strand): 5'-TCTTTTTTCCCTGCAGATGCTGTACCCCTCAAGGATTTAAACTAACGAAAAATCAATAAA[T>A]AAATGTGGATTTGTGCTCTTGTATTTTTAAGTGGATTAAAAAACTTACTACCTTAAATTG-3'